The following is an entry in ClinVar:

ClinVar aggregate classification (germline): Likely benign. Review status: criteria provided, multiple submitters, no conflicts (2 of 4 stars). 2 submissions from 2 submitters: Likely benign (2). Last evaluated 2024-04-23.

Allele frequency attached by ClinVar (database versions not stated): TOPMed 0.00003; gnomAD 0.00006; gnomAD exomes 0.00009; ESP Exome Variant Server 0.00015; ExAC 0.00021.
gnomAD v4.1: 135 of 1,614,056 alleles (0.0084%); highest among the groups gnomAD compares: South Asian, 0.11%; no homozygotes.

Submissions (2):

Ambry Genetics
Classification: Likely benign. Last evaluated: 2024-04-23. Review status: criteria provided, single submitter. Criteria: Ambry Variant Classification Scheme 2023. Collection method: clinical testing. Allele origin: germline.

CeGaT Center for Human Genetics Tuebingen
Classification: Likely benign. Last evaluated: 2022-07-01. Review status: criteria provided, single submitter. Criteria: CeGaT Center For Human Genetics Tuebingen Variant Classification Criteria Version 2. Collection method: clinical testing. Allele origin: germline. Affected: yes. Observed: 1 variant allele.
Comment: ZNF318: BP4, BP7

NM_014345.3(ZNF318):c.6171C>T (p.Ser2057=)

Gene: ZNF318 (zinc finger protein 318; minus strand). Cytogenetic location: 6p21.1.
Variant type: single nucleotide variant.
Coding change: c.6171C>T on transcript NM_014345.3 (MANE Select); coding-DNA position 6171, C replaced by T.
Protein change: p.Ser2057=; no amino-acid change (serine 2057 retained).
Molecular consequence: synonymous variant.
Genome position (GRCh38, 1-based): chr6:43,337,827, G>A on the plus strand (C>T on the coding strand, the complement: ZNF318 is on the minus strand). VCF-style: chr6-43337827-G-A. GRCh37 (hg19) VCF-style: chr6-43305565-G-A.
Other names: c.6171C>T (NM_014345.2).
Identifiers: ClinVar variation 2656594 (VCV002656594.25), dbSNP rs147972979, ClinGen allele CA3821151.